The following is an entry in ClinVar:

ClinVar aggregate classification (germline): Uncertain significance. Review status: criteria provided, multiple submitters, no conflicts (2 of 4 stars). 2 submissions from 2 submitters: Uncertain significance (2). Last evaluated 2025-10-12.

Conditions:
Hereditary cancer-predisposing syndrome. Also called: Neoplastic Syndromes, Hereditary; Tumor predisposition; Hereditary neoplastic syndrome; Hereditary Cancer Syndrome. Identifiers: Orphanet 140162, MedGen C0027672, MeSH D009386, MONDO:0015356.

Submissions (2):

Ambry Genetics
Classification: Uncertain significance for Hereditary cancer-predisposing syndrome. Last evaluated: 2025-10-12. Review status: criteria provided, single submitter. Criteria: Ambry Variant Classification Scheme 2023. Collection method: clinical testing. Allele origin: germline.
Comment: The p.M1844L variant (also known as c.5530A>T), located in coding exon 40 of the POLE gene, results from an A to T substitution at nucleotide position 5530. The methionine at codon 1844 is replaced by leucine, an amino acid with highly similar properties. This amino acid position is conserved. In addition, this alteration is predicted to be tolerated by in silico analysis. Based on the available evidence, the clinical significance of this variant remains unclear.

Labcorp Genetics (formerly Invitae), Labcorp
Classification: Uncertain significance. Last evaluated: 2024-09-14. Review status: criteria provided, single submitter. Criteria: Invitae Variant Classification Sherloc (09022015). Collection method: clinical testing. Allele origin: germline.
Comment: This sequence change replaces methionine, which is neutral and non-polar, with leucine, which is neutral and non-polar, at codon 1844 of the POLE protein (p.Met1844Leu). This variant is not present in population databases (gnomAD no frequency). This variant has not been reported in the literature in individuals affected with POLE-related conditions. Invitae Evidence Modeling of protein sequence and biophysical properties (such as structural, functional, and spatial information, amino acid conservation, physicochemical variation, residue mobility, and thermodynamic stability) indicates that this missense variant is not expected to disrupt POLE protein function with a negative predictive value of 80%. In summary, the available evidence is currently insufficient to determine the role of this variant in disease. Therefore, it has been classified as a Variant of Uncertain Significance.

NM_006231.4(POLE):c.5530A>T (p.Met1844Leu)

Gene: POLE (DNA polymerase epsilon, catalytic subunit; minus strand). Cytogenetic location: 12q24.33.
Variant type: single nucleotide variant.
Coding change: c.5530A>T on transcript NM_006231.4 (MANE Select); coding-DNA position 5530, A replaced by T.
Protein change: p.Met1844Leu; replaces methionine 1844 with leucine.
Molecular consequence: missense variant.
Genome position (GRCh38, 1-based): chr12:132,639,147, T>A on the plus strand (A>T on the coding strand, the complement: POLE is on the minus strand). VCF-style: chr12-132639147-T-A. GRCh37 (hg19) VCF-style: chr12-133215733-T-A.
Other names: c.5530A>T (NM_006231.2); short protein forms M1844L.
Identifiers: ClinVar variation 3018232 (VCV003018232.4), dbSNP rs2042090843, ClinGen allele CA387374577.